The following is an entry in ClinVar:

ClinVar aggregate classification (germline): Uncertain significance (1 of 4 stars; one submission).

Conditions:
Wilms tumor 1 (WT1). Also called: Wilms tumor, somatic. Identifiers: Orphanet 654, MedGen CN033288, MONDO:0008679, OMIM 194070.
Frasier syndrome. Identifiers: Orphanet 347, MedGen C0950122, MeSH D052159, MONDO:0007635, OMIM 136680.
Drash syndrome (DDS). Also called: WILMS TUMOR AND PSEUDO- OR TRUE HERMAPHRODITISM; NEPHROPATHY, WILMS TUMOR, AND GENITAL ANOMALIES. Identifiers: Orphanet 220, MedGen C0950121, MONDO:0008682, OMIM 194080.
11p partial monosomy syndrome (WAGR). Also called: WAGR syndrome; WAGR Complex; WAGR Spectrum Disorder; CHROMOSOME 11p13 DELETION SYNDROME. Identifiers: Orphanet 893, MedGen C0206115, MONDO:0008681, OMIM 194072.

Submission:

Labcorp Genetics (formerly Invitae), Labcorp
Classification: Uncertain significance for Wilms tumor 1; Drash syndrome; 11p partial monosomy syndrome; Frasier syndrome. Last evaluated: 2025-08-01. Review status: criteria provided, single submitter. Criteria: Invitae Variant Classification Sherloc (09022015). Collection method: clinical testing. Allele origin: germline.
Comment: This sequence change replaces alanine, which is neutral and non-polar, with valine, which is neutral and non-polar, at codon 100 of the WT1 protein (p.Ala100Val). This variant is not present in population databases (gnomAD no frequency). This variant has not been reported in the literature in individuals affected with WT1-related conditions. Invitae Evidence Modeling of protein sequence and biophysical properties (such as structural, functional, and spatial information, amino acid conservation, physicochemical variation, residue mobility, and thermodynamic stability) indicates that this missense variant is not expected to disrupt WT1 protein function with a negative predictive value of 95%. In summary, the available evidence is currently insufficient to determine the role of this variant in disease. Therefore, it has been classified as a Variant of Uncertain Significance.

NM_024426.6(WT1):c.314C>T (p.Ala105Val)

Genes: WT1 (WT1 transcription factor; minus strand), LOC107982234 (WT1/WT1-AS bi-directional promoter region; plus strand). Cytogenetic location: 11p13.
Variant type: single nucleotide variant.
Coding change: c.314C>T on transcript NM_024426.6 (MANE Select); coding-DNA position 314, C replaced by T.
Protein change: p.Ala105Val; replaces alanine 105 with valine.
Molecular consequence: missense variant. On other transcripts: non-coding transcript variant (2).
Genome position (GRCh38, 1-based): chr11:32,435,047, G>A on the plus strand (C>T on the coding strand, the complement: WT1 is on the minus strand). VCF-style: chr11-32435047-G-A. GRCh37 (hg19) VCF-style: chr11-32456593-G-A.
Other names: c.314C>T, p.Ala105Val (NM_000378.6, NM_001407044.1, NM_001407045.1 and 6 more transcripts); c.95C>T, p.Ala32Val (NM_001429031.1, NM_001429032.1, NM_001429033.1 and 1 more transcripts); short protein forms A100V, A105V, A32V.
Identifiers: ClinVar variation 4785349 (VCV004785349.1).